The following is an entry in ClinVar:

ClinVar aggregate classification (germline): Benign/Likely benign. Review status: criteria provided, multiple submitters, no conflicts (2 of 4 stars). 12 submissions from 12 submitters: Benign (5); Likely benign (6). 1 of the submissions does not count toward it. Last evaluated 2026-08-01.

Conditions:
Cardiovascular phenotype. Identifiers: MedGen CN230736.
RYR2-related disorder. Also called: RYR2-related condition.
Catecholaminergic polymorphic ventricular tachycardia (CVPT). Also called: Catecholamine-induced polymorphic ventricular tachycardia. Identifiers: Orphanet 3286, MedGen C5574922, MONDO:0017990.
Cardiomyopathy (CMYO). Also called: Cardiomyopathies. Identifiers: Orphanet 167848, MedGen C0878544, MONDO:0004994, HP:0001638. Inheritance: Various modes of inheritance.
Catecholaminergic polymorphic ventricular tachycardia 1. Also called: VENTRICULAR TACHYCARDIA, STRESS-INDUCED POLYMORPHIC 1; VENTRICULAR TACHYCARDIA, CATECHOLAMINERGIC POLYMORPHIC, 1, WITH OR WITHOUT ATRIAL DYSFUNCTION AND/OR DILATED CARDIOMYOPATHY; RYR2-Related Catecholaminergic Polymorphic Ventricular Tachycardia. Identifiers: Orphanet 3286, MedGen C1631597, MONDO:0011484, OMIM 604772.

Allele frequency attached by ClinVar (database versions not stated): 1000 Genomes Project 30x 0.00031; 1000 Genomes Project 0.00040; TOPMed 0.00051; ESP Exome Variant Server 0.00057.
gnomAD v4.1: 169 of 1,613,896 alleles (0.01%); highest among the groups gnomAD compares: African/African-American, 0.17%; 1 homozygote.

Submissions (12):

CeGaT Center for Human Genetics Tuebingen
Classification: Likely benign. Last evaluated: 2026-08-01. Review status: criteria provided, single submitter. Criteria: CeGaT Center For Human Genetics Tuebingen Variant Classification Criteria Version 2. Collection method: clinical testing. Allele origin: germline. Affected: yes. Observed: 2 variant alleles.
Comment: RYR2: BP4, BP7, BS1

Labcorp Genetics (formerly Invitae), Labcorp
Classification: Benign for Catecholaminergic polymorphic ventricular tachycardia 1. Last evaluated: 2026-01-25. Review status: criteria provided, single submitter. Criteria: Invitae Variant Classification Sherloc (09022015). Collection method: clinical testing. Allele origin: germline.

Molecular Diagnostic Laboratory for Inherited Cardiovascular Disease, Montreal Heart Institute
Classification: Benign. Last evaluated: 2025-04-09. Review status: criteria provided, single submitter. Criteria: ACMG Guidelines, 2015. Collection method: clinical testing. Allele origin: germline. Affected: no.

All of Us Research Program, National Institutes of Health
Classification: Benign for Catecholaminergic polymorphic ventricular tachycardia. Last evaluated: 2024-02-05. Review status: criteria provided, single submitter. Criteria: ACMG Guidelines, 2015. Collection method: clinical testing. Allele origin: germline. Inheritance: Autosomal dominant inheritance. Observed: 42 variant alleles, 42 heterozygotes.
Comment: This study involves interpretation of variants in research participants for the purpose of population health screening. Participant phenotype was not available at the time of variant classification. Additional details can be found in publication PMID: 35346344, PMCID: PMC8962531

Blueprint Genetics
Classification: Likely benign. Last evaluated: 2023-07-07. Review status: criteria provided, single submitter. Criteria: ACMG Guidelines, 2015. Collection method: clinical testing. Allele origin: germline.

Women's Health and Genetics/Laboratory Corporation of America, LabCorp
Classification: Benign. Last evaluated: 2020-11-02. Review status: criteria provided, single submitter. Criteria: LabCorp Variant Classification Summary - May 2015. Collection method: clinical testing. Allele origin: germline.

Color Diagnostics, LLC DBA Color Health
Classification: Benign for Cardiomyopathy. Last evaluated: 2019-03-22. Review status: criteria provided, single submitter. Criteria: ACMG Guidelines, 2015. Collection method: clinical testing. Allele origin: germline.

Ambry Genetics
Classification: Likely benign for Cardiovascular phenotype. Last evaluated: 2018-08-14. Review status: criteria provided, single submitter. Criteria: Ambry Variant Classification Scheme 2023. Collection method: clinical testing. Allele origin: germline.

GeneDx
Classification: Likely benign. Last evaluated: 2018-01-12. Review status: criteria provided, single submitter. Criteria: GeneDx Variant Classification (06012015). Collection method: clinical testing. Allele origin: germline. Affected: yes.
Comment: This variant is considered likely benign or benign based on one or more of the following criteria: it is a conservative change, it occurs at a poorly conserved position in the protein, it is predicted to be benign by multiple in silico algorithms, and/or has population frequency not consistent with disease.

Laboratory for Molecular Medicine, Mass General Brigham Personalized Medicine
Classification: Likely benign. Last evaluated: 2012-03-19. Review status: criteria provided, single submitter. Criteria: LMM Criteria. Collection method: clinical testing. Allele origin: germline. Observed: 1 variant allele.
Comment: p.Ala4203Ala in Exon 90 of RYR2: This variant is not expected to have clinical s ignificance because it does not alter an amino acid residue, is not located with in the splice consensus sequence. It has been identified in 0.2% (6/3322) of Afr ican American chromosomes from a broad population by the NHLBI Exome Sequencing Project.

Breakthrough Genomics
Classification: Likely benign. Review status: criteria provided, single submitter. Criteria: ACMG Guidelines, 2015. Collection method: not provided. Allele origin: germline. Inheritance: Autosomal dominant inheritance. Affected: yes.

PreventionGenetics, part of Exact Sciences
Classification: Likely benign for RYR2-related condition. Last evaluated: 2019-10-28. Review status: no assertion criteria provided. Collection method: clinical testing. Allele origin: germline. Not counted in ClinVar's aggregate classification.
Comment: This variant is classified as likely benign based on ACMG/AMP sequence variant interpretation guidelines (Richards et al. 2015 PMID: 25741868, with internal and published modifications).

NM_001035.3(RYR2):c.12609G>T (p.Ala4203=)

Genes: RYR2 (ryanodine receptor 2; plus strand), LOC126806068 (BRD4-independent group 4 enhancer GRCh37_chr1:237947411-237948610; plus strand). Cytogenetic location: 1q43.
Variant type: single nucleotide variant.
Coding change: c.12609G>T on transcript NM_001035.3 (MANE Select); coding-DNA position 12609, G replaced by T.
Protein change: p.Ala4203=; no amino-acid change (alanine 4203 retained).
Molecular consequence: synonymous variant.
Genome position (GRCh38, 1-based): chr1:237,784,321, G>T. VCF-style: chr1-237784321-G-T. GRCh37 (hg19) VCF-style: chr1-237947621-G-T.
Identifiers: ClinVar variation 227907 (VCV000227907.29), dbSNP rs372943408, ClinGen allele CA085203.